The following is an entry in ClinVar:

NM_001128148.3(TFRC):c.1448A>G (p.Asn483Ser)

Gene: TFRC (transferrin receptor; minus strand). Cytogenetic location: 3q29.
Variant type: single nucleotide variant.
Coding change: c.1448A>G on transcript NM_001128148.3 (MANE Select); coding-DNA position 1448, A replaced by G.
Protein change: p.Asn483Ser; replaces asparagine 483 with serine.
Molecular consequence: missense variant.
Genome position (GRCh38, 1-based): chr3:196,062,602, T>C on the plus strand (A>G on the coding strand, the complement: TFRC is on the minus strand). VCF-style: chr3-196062602-T-C. GRCh37 (hg19) VCF-style: chr3-195789473-T-C.
Other names: c.1205A>G, p.Asn402Ser (NM_001313965.2); c.602A>G, p.Asn201Ser (NM_001313966.2); c.1448A>G, p.Asn483Ser (NM_003234.4); c.1448A>G (NM_003234.2); short protein forms N402S, N201S, N483S.
Identifiers: ClinVar variation 1986348 (VCV001986348.5), dbSNP rs1224438029, ClinGen allele CA355569629.

ClinVar aggregate classification (germline): Uncertain significance. Review status: criteria provided, multiple submitters, no conflicts (2 of 4 stars). 2 submissions from 2 submitters: Uncertain significance (2). Last evaluated 2025-08-18.

Conditions:
Inborn genetic diseases. Identifiers: MedGen C0950123, MeSH D030342.

Allele frequency attached by ClinVar (database versions not stated): TOPMed below 0.00001; gnomAD 0.00001; gnomAD exomes 0.00001.
gnomAD v4.1: 5 of 1,608,442 alleles (0.00031%); highest among the groups gnomAD compares: Admixed American, 0.0069%; no homozygotes.

Submissions (2):

Labcorp Genetics (formerly Invitae), Labcorp
Classification: Uncertain significance. Last evaluated: 2025-08-18. Review status: criteria provided, single submitter. Criteria: Invitae Variant Classification Sherloc (09022015). Collection method: clinical testing. Allele origin: germline.
Comment: This sequence change replaces asparagine, which is neutral and polar, with serine, which is neutral and polar, at codon 483 of the TFRC protein (p.Asn483Ser). This variant is present in population databases (no rsID available, gnomAD 0.01%). This variant has not been reported in the literature in individuals affected with TFRC-related conditions. ClinVar contains an entry for this variant (Variation ID: 1986348). Invitae Evidence Modeling of protein sequence and biophysical properties (such as structural, functional, and spatial information, amino acid conservation, physicochemical variation, residue mobility, and thermodynamic stability) indicates that this missense variant is not expected to disrupt TFRC protein function with a negative predictive value of 80%. In summary, the available evidence is currently insufficient to determine the role of this variant in disease. Therefore, it has been classified as a Variant of Uncertain Significance.

Ambry Genetics
Classification: Uncertain significance for Inborn genetic diseases. Last evaluated: 2024-10-16. Review status: criteria provided, single submitter. Criteria: Ambry Variant Classification Scheme 2023. Collection method: clinical testing. Allele origin: germline.